The following is an entry in ClinVar:

ClinVar aggregate classification (germline): Likely pathogenic (1 of 4 stars; one submission).

Conditions:
Autosomal recessive nonsyndromic hearing loss 6. Also called: NEUROSENSORY NONSYNDROMIC RECESSIVE DEAFNESS 6. Identifiers: Orphanet 90636, MedGen C1832992, MONDO:0010965, OMIM 600971.

Submission:

Juno Genomics, Hangzhou Juno Genomics, Inc
Classification: Likely pathogenic for Autosomal recessive nonsyndromic hearing loss 6. Review status: criteria provided, single submitter. Criteria: ACMG Guidelines, 2015. Collection method: clinical testing. Allele origin: germline.
Comment: Null variant in a gene where loss of function (LOF) is a known mechanism of disease.;Absent from controls (or at extremely low frequency if recessive) in Genome Aggregation Database.

NM_147196.3(TMIE):c.201del (p.Leu68fs)

Gene: TMIE (transmembrane inner ear; plus strand). Cytogenetic location: 3p21.31.
Variant type: Deletion.
Coding change: c.201del on transcript NM_147196.3 (MANE Select); coding-DNA position 201, one base deleted (G; older notation c.201delG).
Protein change: p.Leu68fs; shifts the reading frame from leucine 68.
Molecular consequence: frameshift variant.
Genome position (GRCh38, 1-based): chr3:46,705,897, G deleted. VCF-style (leftmost placement, unchanged base first): chr3-46705896-TG-T. GRCh37 (hg19) VCF-style: chr3-46747386-TG-T.
Other names: c.42del, p.Leu15fs (NM_001370525.1, NM_001370524.1); short protein forms L15fs, L68fs.
Identifiers: ClinVar variation 5006622 (VCV005006622.2).